The following is an entry in ClinVar:

ClinVar aggregate classification (germline): Pathogenic (1 of 4 stars; one submission).

Submission:

Labcorp Genetics (formerly Invitae), Labcorp
Classification: Pathogenic. Last evaluated: 2025-03-25. Review status: criteria provided, single submitter. Criteria: Invitae Variant Classification Sherloc (09022015). Collection method: clinical testing. Allele origin: germline.
Comment: This sequence change creates a premature translational stop signal (p.Arg174Thrfs*4) in the ATP2C1 gene. It is expected to result in an absent or disrupted protein product. Loss-of-function variants in ATP2C1 are known to be pathogenic (PMID: 10615129, 10767338, 11841554). This variant is not present in population databases (gnomAD no frequency). This premature translational stop signal has been observed in individual(s) with Hailey-Hailey disease (PMID: 11841554, 31983024, 35274376). For these reasons, this variant has been classified as Pathogenic.

Literature cited by the submitters: PubMed 10615129; PubMed 10767338; PubMed 11841554; PubMed 31983024; PubMed 35274376.

NM_001378687.1(ATP2C1):c.519dup (p.Arg174fs)

Gene: ATP2C1 (ATPase secretory pathway Ca2+ transporting 1; plus strand). Cytogenetic location: 3q22.1.
Variant type: Duplication.
Coding change: c.519dup on transcript NM_001378687.1 (MANE Select); coding-DNA position 519, one base duplicated (A; older notation c.519dupA).
Protein change: p.Arg174fs; shifts the reading frame from arginine 174.
Molecular consequence: frameshift variant.
Genome position (GRCh38, 1-based): chr3:130,941,687, A duplicated. VCF-style (leftmost placement, unchanged base first): chr3-130941686-T-TA. GRCh37 (hg19) VCF-style: chr3-130660530-T-TA.
Other names: c.519dup, p.Arg174fs (NM_001001485.3, NM_001001486.2, NM_001001487.2 and 5 more transcripts); c.621dup, p.Arg208fs (NM_001199180.2, NM_001199181.3, NM_001378511.1); c.504dup, p.Arg169fs (NM_001199182.2); c.471dup, p.Arg158fs (NM_001199183.2, NM_001199184.3, NM_001378514.1); short protein forms R169fs, R158fs, R174fs, R208fs.
Identifiers: ClinVar variation 4747346 (VCV004747346.1).